The following is an entry in ClinVar:

NM_013280.5(FLRT1):c.389G>A (p.Arg130Gln)

Genes: MACROD1 (mono-ADP ribosylhydrolase 1; minus strand), FLRT1 (fibronectin leucine rich transmembrane protein 1; plus strand). Cytogenetic location: 11q13.1.
Variant type: single nucleotide variant.
Coding change: c.389G>A on transcript NM_013280.5 (MANE Select); coding-DNA position 389, G replaced by A.
Protein change: p.Arg130Gln; replaces arginine 130 with glutamine.
Molecular consequence: missense variant. On other transcripts: intron variant (2).
Genome position (GRCh38, 1-based): chr11:64,116,656, G>A. VCF-style: chr11-64116656-G-A. GRCh37 (hg19) VCF-style: chr11-63884128-G-A.
Other names: c.389G>A, p.Arg130Gln (NM_001384466.1); c.305G>A, p.Arg102Gln (NM_001423967.1); c.517+34583C>T (NM_001411019.1, NM_014067.4); short protein forms R130Q, R102Q.
Identifiers: ClinVar variation 1002428 (VCV001002428.9), dbSNP rs201296024, ClinGen allele CA6067467.
Genomic context (GRCh38, chr11:64,116,656, plus strand): 5'-TCATCTACCTATACGAGAATGACCTGGATGAGTTCCCCATCAACCTGCCCCGCTCCCTCC[G>A]GGAGCTGCACCTGCAGGACAACAATGTGCGCACCATTGCCAGGGACTCGCTGGCCCGCAT-3'
Protein context (NP_037412.2, residues 120-140): EFPINLPRSL[Arg130Gln]ELHLQDNNVR

ClinVar aggregate classification (germline): Uncertain significance (1 of 4 stars; one submission).

Conditions:
Peripheral neuropathy. Also called: Neuropathy. Identifiers: MedGen C0031117, MONDO:0005244, HP:0009830.

Allele frequency attached by ClinVar (database versions not stated): gnomAD 0.00001 and 0.00002; gnomAD exomes 0.00002 and 0.00003; TOPMed 0.00003; ExAC 0.00004; 1000 Genomes Project 30x 0.00016; 1000 Genomes Project 0.00020.
gnomAD v4.1: 29 of 1,613,794 alleles (0.0018%); highest among the groups gnomAD compares: Middle Eastern, 0.017%; no homozygotes.

Submission:

Labcorp Genetics (formerly Invitae), Labcorp
Classification: Uncertain significance for Peripheral neuropathy. Last evaluated: 2020-10-31. Review status: criteria provided, single submitter. Criteria: Invitae Variant Classification Sherloc (09022015). Collection method: clinical testing. Allele origin: germline.
Comment: Algorithms developed to predict the effect of missense changes on protein structure and function (SIFT, PolyPhen-2, Align-GVGD) all suggest that this variant is likely to be disruptive, but these predictions have not been confirmed by published functional studies and their clinical significance is uncertain. In summary, the available evidence is currently insufficient to determine the role of this variant in disease. Therefore, it has been classified as a Variant of Uncertain Significance. Algorithms developed to predict the effect of sequence changes on RNA splicing suggest that this variant may create or strengthen a splice site, but this prediction has not been confirmed by published transcriptional studies. This variant has not been reported in the literature in individuals with FLRT1-related conditions. This variant is present in population databases (rs201296024, ExAC 0.02%). This sequence change replaces arginine with glutamine at codon 130 of the FLRT1 protein (p.Arg130Gln). The arginine residue is highly conserved and there is a small physicochemical difference between arginine and glutamine.